The following is an entry in ClinVar:

ClinVar aggregate classification (germline): Uncertain significance (1 of 4 stars; one submission).

Conditions:
Inborn genetic diseases. Identifiers: MedGen C0950123, MeSH D030342.

gnomAD v4.1: 2 of 1,603,522 alleles (0.00012%); highest among the groups gnomAD compares: South Asian, 0.0022%; no homozygotes.

Submission:

Ambry Genetics
Classification: Uncertain significance for Inborn genetic diseases. Last evaluated: 2026-01-09. Review status: criteria provided, single submitter. Criteria: Ambry Variant Classification Scheme 2023. Collection method: clinical testing. Allele origin: germline.
Comment: The p.P292T variant (also known as c.874C>A), located in coding exon 6 of the KDM1A gene, results from a C to A substitution at nucleotide position 874. The proline at codon 292 is replaced by threonine, an amino acid with highly similar properties. This amino acid position is conserved. In addition, the in silico prediction for this alteration is inconclusive. Based on the available evidence, the clinical significance of this variant remains unclear.

NM_001009999.3(KDM1A):c.874C>A (p.Pro292Thr)

Gene: KDM1A (lysine demethylase 1A; plus strand). Cytogenetic location: 1p36.12.
Variant type: single nucleotide variant.
Coding change: c.874C>A on transcript NM_001009999.3 (MANE Select); coding-DNA position 874, C replaced by A.
Protein change: p.Pro292Thr; replaces proline 292 with threonine.
Molecular consequence: missense variant.
Genome position (GRCh38, 1-based): chr1:23,055,152, C>A. VCF-style: chr1-23055152-C-A. GRCh37 (hg19) VCF-style: chr1-23381645-C-A.
Other names: c.814C>A, p.Pro272Thr (NM_001363654.2, NM_001410763.1, NM_015013.4); c.874C>A, p.Pro292Thr (NM_001410762.1); short protein forms P272T, P292T.
Identifiers: ClinVar variation 4841918 (VCV004841918.1).
Genomic context (GRCh38, chr1:23,055,152, plus strand): 5'-GTTCACAGTTATTTAGAGCGTCATGGTCTTATCAACTTCGGCATCTATAAGAGGATAAAA[C>A]CCCTACCAAGTAAGGACCTCCTACCTGGCTGATAAATTTTACATTTTTAAGTTACGGTTT-3'
Protein context (NP_001009999.1, residues 282-302): INFGIYKRIK[Pro292Thr]LPTKKTGKVI